The following is an entry in ClinVar:

NM_014244.5(ADAMTS2):c.21_22insAGCAG (p.Ala8fs)

Gene: ADAMTS2 (ADAM metallopeptidase with thrombospondin type 1 motif 2; minus strand). Cytogenetic location: 5q35.3.
Variant type: Insertion.
Coding change: c.21_22insAGCAG on transcript NM_014244.5 (MANE Select); coding-DNA positions 21 to 22, AGCAG inserted.
Protein change: p.Ala8fs; shifts the reading frame from alanine 8.
Molecular consequence: frameshift variant.
Genome position: GRCh38 VCF-style: chr5-179345307-C-CCTGCT. GRCh37 (hg19) VCF-style: chr5-178772308-C-CCTGCT.
Other names: c.21_22insAGCAG, p.Ala8fs (NM_021599.4); short protein forms A8fs.
Identifiers: ClinVar variation 5010802 (VCV005010802.1).

ClinVar aggregate classification (germline): Pathogenic (1 of 4 stars; one submission).

Conditions:
Ehlers-Danlos syndrome, dermatosparaxis type. Also called: EDS VIIC; Dermatosparaxis; Ehlers-Danlos syndrome, type VII, autosomal recessive. Identifiers: Orphanet 1901, MedGen C2700425, MONDO:0009161, OMIM 225410.

Submission:

Myriad Genetics, Inc.
Classification: Pathogenic for Ehlers-Danlos syndrome, dermatosparaxis type. Last evaluated: 2024-05-14. Review status: criteria provided, single submitter. Criteria: Myriad Autosomal Dominant, Autosomal Recessive and X-Linked Classification Criteria (2023). Collection method: clinical testing. Allele origin: unknown.
Comment: NM_014244.4(ADAMTS2):c.21_22ins5(A8Sfs*159) is expected to be pathogenic in the context of Ehlers-Danlos syndrome, ADAMTS2-related. This variant is predicted to lead to an abnormal or absent protein product due to the creation of a premature termination codon in ADAMTS2, a gene where loss-of-function variants are known to be pathogenic. Please note: this variant was assessed in the context of healthy population screening.